The following is an entry in ClinVar:

ClinVar aggregate classification (germline): Uncertain significance (1 of 4 stars; one submission).

gnomAD v4.1: 7 of 1,590,922 alleles (0.00044%); highest among the groups gnomAD compares: South Asian, 0.008%; no homozygotes.

Submission:

Labcorp Genetics (formerly Invitae), Labcorp
Classification: Uncertain significance. Last evaluated: 2025-11-18. Review status: criteria provided, single submitter. Criteria: Invitae Variant Classification Sherloc (09022015). Collection method: clinical testing. Allele origin: germline.
Comment: This sequence change falls in intron 53 of the COL11A2 gene. It does not directly change the encoded amino acid sequence of the COL11A2 protein. It affects a nucleotide within the consensus splice site. The frequency data for this variant in the population databases is considered unreliable, as metrics indicate poor data quality at this position in the gnomAD database. This variant has not been reported in the literature in individuals affected with COL11A2-related conditions. Variants that disrupt the consensus splice site are a relatively common cause of aberrant splicing (PMID: 17576681, 9536098). Algorithms developed to predict the effect of sequence changes on RNA splicing suggest that this variant is not likely to affect RNA splicing. In summary, the available evidence is currently insufficient to determine the role of this variant in disease. Therefore, it has been classified as a Variant of Uncertain Significance.

Literature cited by the submitters: PubMed 17576681; PubMed 9536098.

NM_080680.3(COL11A2):c.3906+3G>A

Gene: COL11A2 (collagen type XI alpha 2 chain; minus strand). Cytogenetic location: 6p21.32.
Variant type: single nucleotide variant.
Coding change: c.3906+3G>A on transcript NM_080680.3 (MANE Select); 3 bases into the intron after coding-DNA position 3906, G replaced by A.
Molecular consequence: intron variant.
Genome position (GRCh38, 1-based): chr6:33,168,703, C>T on the plus strand (G>A on the coding strand, the complement: COL11A2 is on the minus strand). VCF-style: chr6-33168703-C-T. GRCh37 (hg19) VCF-style: chr6-33136480-C-T.
Other names: c.2880+3G>A (NM_001424111.1, NM_001424110.1); c.3585+3G>A (NM_080679.3); c.3648+3G>A (NM_080681.3); c.3726+3G>A (NM_001424108.1); c.3060+3G>A (NM_001424109.1); c.1860+3G>A (NM_001424112.1).
Identifiers: ClinVar variation 4750806 (VCV004750806.1).